The following is an entry in ClinVar:

NM_000455.5(STK11):c.598-2A>C

Gene: STK11 (serine/threonine kinase 11; plus strand). Cytogenetic location: 19p13.3.
Variant type: single nucleotide variant.
Coding change: c.598-2A>C on transcript NM_000455.5 (MANE Select); the canonical splice acceptor site of the intron before coding-DNA position 598, A replaced by C.
Molecular consequence: splice acceptor variant.
Genome position (GRCh38, 1-based): chr19:1,220,579, A>C. VCF-style: chr19-1220579-A-C. GRCh37 (hg19) VCF-style: chr19-1220578-A-C.
Other names: c.598-2A>C (NM_001407255.1).
Identifiers: ClinVar variation 839427 (VCV000839427.10), dbSNP rs1131690934, ClinGen allele CA402949380.

ClinVar aggregate classification (germline): Pathogenic (1 of 4 stars; one submission).

Conditions:
Peutz-Jeghers syndrome (PJS). Also called: POLYPOSIS, HAMARTOMATOUS INTESTINAL; POLYPS-AND-SPOTS SYNDROME; Peutz-Jeghers polyposis; Periorificial lentiginosis syndrome. Identifiers: Orphanet 2869, MedGen C0031269, MeSH D010580, MONDO:0008280, OMIM 175200.

Submission:

Labcorp Genetics (formerly Invitae), Labcorp
Classification: Pathogenic for Peutz-Jeghers syndrome. Last evaluated: 2019-02-10. Review status: criteria provided, single submitter. Criteria: Invitae Variant Classification Sherloc (09022015). Collection method: clinical testing. Allele origin: germline.
Comment: For these reasons, this variant has been classified as Pathogenic. Donor and acceptor splice site variants typically lead to a loss of protein function (PMID: 16199547), and loss-of-function variants in STK11 are known to be pathogenic (PMID: 15188174, 16287113). Algorithms developed to predict the effect of sequence changes on RNA splicing suggest that this variant may disrupt the consensus splice site, but this prediction has not been confirmed by published transcriptional studies. Disruptions of this splice site (c.598-2A>T, also known as IVS4-2A>T, and c.598-1G>A) have been observed in several individuals affected with Peutz-Jeghers syndrome (PMID: 11389158, Invitae). This variant is not present in population databases (ExAC no frequency). This sequence change affects an acceptor splice site in intron 4 of the STK11 gene. It is expected to disrupt RNA splicing and likely results in an absent or disrupted protein product.

Literature cited by the submitters: PubMed 16199547; PubMed 15188174; PubMed 16287113; PubMed 11389158.